The following is an entry in ClinVar:

NM_000321.3(RB1):c.2239G>T (p.Glu747Ter)

Gene: RB1 (RB transcriptional corepressor 1; plus strand). Cytogenetic location: 13q14.2.
Variant type: single nucleotide variant.
Coding change: c.2239G>T on transcript NM_000321.3 (MANE Select); coding-DNA position 2239, G replaced by T.
Protein change: p.Glu747Ter; replaces glutamic acid 747 with a stop codon.
Molecular consequence: nonsense.
Genome position (GRCh38, 1-based): chr13:48,465,025, G>T. VCF-style: chr13-48465025-G-T. GRCh37 (hg19) VCF-style: chr13-49039161-G-T.
Other names: c.2239G>T, p.Glu747Ter (NM_001407165.1); short protein forms E747*.
Identifiers: ClinVar variation 3237080 (VCV003237080.1), dbSNP rs1593539163.
Genomic context (GRCh38, chr13:48,465,025, plus strand): 5'-TTTTTTTTTTTTTTTTTTACTGTTCTTCCTCAGACATTCAAACGTGTTTTGATCAAAGAA[G>T]AGGAGTATGATTCTATTATAGTATTCTATAACTCGGTCTTCATGCAGAGACTGAAAACAA-3'

ClinVar aggregate classification (germline): Pathogenic (1 of 4 stars; one submission).

Conditions:
Retinoblastoma (RB1). Also called: RETINOBLASTOMA, SOMATIC. Identifiers: Orphanet 790, MedGen C0035335, MeSH D012175, MONDO:0008380, OMIM 180200, HP:0009919. Disease mechanism: loss of function. Inheritance: Both sporadic and heritable forms are tested..

Submission:

Genetic Diagnostic Laboratory, University of Pennsylvania School of Medicine
Classification: Pathogenic for Retinoblastoma. Last evaluated: 2024-05-20. Review status: criteria provided, single submitter. Criteria: ACMG Guidelines, 2015. Collection method: clinical testing. Allele origin: germline. Affected: yes. Observed: 1 variant allele.
Comment: Case and Pedigree Information: BILATERAL CASES:0, UNILATERAL CASES:1, TOTAL CASES:1, PEDIGREES:1. ACMG Codes Applied:PVS1, PM2